The following is an entry in ClinVar:

NM_000618.5(IGF1):c.251G>A (p.Arg84Gln)

Genes: IGF1 (insulin like growth factor 1; minus strand), LINC02456 (long intergenic non-protein coding RNA 2456; plus strand). Cytogenetic location: 12q23.2.
Variant type: single nucleotide variant.
Coding change: c.251G>A on transcript NM_000618.5 (MANE Select); coding-DNA position 251, G replaced by A.
Protein change: p.Arg84Gln; replaces arginine 84 with glutamine.
Molecular consequence: missense variant.
Genome position (GRCh38, 1-based): chr12:102,419,660, C>T on the plus strand (G>A on the coding strand, the complement: IGF1 is on the minus strand). VCF-style: chr12-102419660-C-T. GRCh37 (hg19) VCF-style: chr12-102813438-C-T.
Other names: c.251G>A, p.Arg84Gln (NM_001111283.3, NM_001111285.3); c.203G>A, p.Arg68Gln (NM_001111284.2); short protein forms R84Q, R68Q.
Identifiers: ClinVar variation 1407324 (VCV001407324.6), dbSNP rs1565970471, ClinGen allele CA386492731.
Genomic context (GRCh38, chr12:102,419,660, plus strand): 5'-CTCCTTAGATCACAGCTCCGGAAGCAGCACTCATCCACGATGCCTGTCTGAGGCGCCCTC[C>T]GACTGCTGGAGCCATACCCTGTGGGCTTGTCTGCACAAATCAAACAGAGTGGCCTCATGT-3'
Protein context (NP_000609.1, residues 74-94): NKPTGYGSSS[Arg84Gln]RAPQTGIVDE

ClinVar aggregate classification (germline): Uncertain significance (1 of 4 stars; one submission).

Allele frequency attached by ClinVar (database versions not stated): gnomAD exomes below 0.00001; TOPMed below 0.00001.
gnomAD v4.1: 5 of 1,613,216 alleles (0.00031%); highest among the groups gnomAD compares: Non-Finnish European, 0.00042%; no homozygotes.

Submission:

Labcorp Genetics (formerly Invitae), Labcorp
Classification: Uncertain significance. Last evaluated: 2022-09-19. Review status: criteria provided, single submitter. Criteria: Invitae Variant Classification Sherloc (09022015). Collection method: clinical testing. Allele origin: germline.
Comment: In summary, the available evidence is currently insufficient to determine the role of this variant in disease. Therefore, it has been classified as a Variant of Uncertain Significance. Experimental studies have shown that this missense change affects IGF1 function (PMID: 19773405). Algorithms developed to predict the effect of missense changes on protein structure and function (SIFT, PolyPhen-2, Align-GVGD) all suggest that this variant is likely to be disruptive. ClinVar contains an entry for this variant (Variation ID: 1407324). This variant is also known as p.Arg36Gln. This missense change has been observed in individual(s) with insulin-like growth factor I deficiency (PMID: 19773405). This variant is not present in population databases (gnomAD no frequency). This sequence change replaces arginine, which is basic and polar, with glutamine, which is neutral and polar, at codon 84 of the IGF1 protein (p.Arg84Gln).

Literature cited by the submitters: PubMed 19773405.